The following is an entry in ClinVar:

NM_170606.3(KMT2C):c.709A>G (p.Ile237Val)

Gene: KMT2C (lysine methyltransferase 2C; minus strand). Cytogenetic location: 7q36.1.
Variant type: single nucleotide variant.
Coding change: c.709A>G on transcript NM_170606.3 (MANE Select); coding-DNA position 709, A replaced by G.
Protein change: p.Ile237Val; replaces isoleucine 237 with valine.
Molecular consequence: missense variant.
Genome position (GRCh38, 1-based): chr7:152,311,828, T>C on the plus strand (A>G on the coding strand, the complement: KMT2C is on the minus strand). VCF-style: chr7-152311828-T-C. GRCh37 (hg19) VCF-style: chr7-152008913-T-C.
Other names: c.709A>G (NM_170606.2); short protein forms I237V.
Identifiers: ClinVar variation 134810 (VCV000134810.10), dbSNP rs587778510, ClinGen allele CA160789.

ClinVar aggregate classification (germline): Conflicting classifications of pathogenicity. Review status: criteria provided, conflicting classifications (1 of 4 stars). 4 submissions from 4 submitters: Uncertain significance (2); Likely benign (1). 1 of the submissions does not count toward it. Last evaluated 2025-02-11.

Conditions:
Kleefstra syndrome 2 (KLEFS2). Identifiers: MedGen C4540395, MONDO:0054701, OMIM 617768.

Allele frequency attached by ClinVar (database versions not stated): gnomAD 0.00001; ExAC 0.00002; TOPMed 0.00002; gnomAD exomes 0.00004 and 0.00008.
gnomAD v4.1: 113 of 1,611,066 alleles (0.007%); highest among the groups gnomAD compares: Non-Finnish European, 0.0095%; no homozygotes.

Submissions (4):

Labcorp Genetics (formerly Invitae), Labcorp
Classification: Likely benign. Last evaluated: 2025-02-11. Review status: criteria provided, single submitter. Criteria: Invitae Variant Classification Sherloc (09022015). Collection method: clinical testing. Allele origin: germline.

Women's Health and Genetics/Laboratory Corporation of America, LabCorp
Classification: Uncertain significance. Last evaluated: 2023-02-15. Review status: criteria provided, single submitter. Criteria: LabCorp Variant Classification Summary - May 2015. Collection method: clinical testing. Allele origin: germline.
Comment: Variant summary: KMT2C c.709A>G (p.Ile237Val) results in a conservative amino acid change located in the extended PHD (ePHD) domain (IPR034732) of the encoded protein sequence. Five of five in-silico tools predict a benign effect of the variant on protein function. The variant allele was found at a frequency of 4e-05 in 251120 control chromosomes (gnomAD). To our knowledge, no occurrence of c.709A>G in individuals affected with Kleefstra Syndrome 2 and no experimental evidence demonstrating its impact on protein function have been reported. Two clinical diagnostic laboratories have submitted clinical-significance assessments for this variant to ClinVar after 2014 and classified the variant as uncertain significance. Based on the evidence outlined above, the variant was classified as uncertain significance.

Fulgent Genetics
Classification: Uncertain significance for Kleefstra syndrome 2. Last evaluated: 2021-07-07. Review status: criteria provided, single submitter. Criteria: ACMG Guidelines, 2015. Collection method: clinical testing. Allele origin: unknown.

ITMI
No classification provided. Condition: AllHighlyPenetrant. Last evaluated: 2013-09-19. Review status: no classification provided. Collection method: reference population. Allele origin: germline. Not counted in ClinVar's aggregate classification.
Comment: Please see associated publication for description of ethnicities

Literature cited by the submitters: PubMed 24728327 (cited by ITMI).